The following is an entry in ClinVar:

ClinVar aggregate classification (germline): Benign. Review status: criteria provided, multiple submitters, no conflicts (2 of 4 stars). 4 submissions from 4 submitters: Benign (4). Last evaluated 2021-07-14.

Conditions:
Long QT syndrome (LQTS). Identifiers: MedGen C0023976, MeSH D008133, MONDO:0002442. Disease mechanism: loss of function. Inheritance: Various modes of inheritance.
Timothy syndrome (TS). Also called: LONG QT SYNDROME WITH SYNDACTYLY. Identifiers: Orphanet 65283, MedGen C1832916, MeSH C536962, MONDO:0010979, OMIM 601005.

Allele frequency attached by ClinVar (database versions not stated): gnomAD exomes 0.40718; gnomAD 0.50267 and 0.50604; TOPMed 0.52372; 1000 Genomes Project 0.54633; 1000 Genomes Project 30x 0.55512.
gnomAD v4.1: 337,262 of 791,250 alleles (43%); highest among the groups gnomAD compares: African/African-American, 77%; 77,226 homozygotes.

Submissions (4):

Genome-Nilou Lab
Classification: Benign for Timothy syndrome. Last evaluated: 2021-07-14. Review status: criteria provided, single submitter. Criteria: ACMG Guidelines, 2015. Collection method: clinical testing. Allele origin: germline. Affected: no.

Labcorp Genetics (formerly Invitae), Labcorp
Classification: Benign for Long QT syndrome. Last evaluated: 2019-12-31. Review status: criteria provided, single submitter. Criteria: Invitae Variant Classification Sherloc (09022015). Collection method: clinical testing. Allele origin: germline.

GeneDx
Classification: Benign. Last evaluated: 2018-06-14. Review status: criteria provided, single submitter. Criteria: GeneDx Variant Classification (06012015). Collection method: clinical testing. Allele origin: germline. Affected: yes.
Comment: This variant is considered likely benign or benign based on one or more of the following criteria: it is a conservative change, it occurs at a poorly conserved position in the protein, it is predicted to be benign by multiple in silico algorithms, and/or has population frequency not consistent with disease.

Breakthrough Genomics
Classification: Benign. Review status: criteria provided, single submitter. Criteria: ACMG Guidelines, 2015. Collection method: not provided. Allele origin: germline. Inheritance: Autosomal dominant inheritance. Affected: yes.

NM_000719.7(CACNA1C):c.1114-487A>G

Gene: CACNA1C (calcium voltage-gated channel subunit alpha1 C; plus strand). Cytogenetic location: 12p13.33.
Variant type: single nucleotide variant.
Coding change: c.1114-487A>G on transcript NM_000719.7 (MANE Select); 487 bases into the intron before coding-DNA position 1114, A replaced by G.
Molecular consequence: intron variant.
Genome position (GRCh38, 1-based): chr12:2,504,355, A>G. VCF-style: chr12-2504355-A-G. GRCh37 (hg19) VCF-style: chr12-2613521-A-G.
Other names: c.1114-81A>G (NM_001167624.3, NM_001167623.2, NM_001167625.2 and 1 more transcripts); c.1114-487A>G (NM_199460.4, NM_001129827.2, NM_001129832.2 and 14 more transcripts); c.1105-487A>G (NM_001129844.2).
Identifiers: ClinVar variation 671783 (VCV000671783.9), dbSNP rs1008832, ClinGen allele CA13611056.